The following is an entry in ClinVar:

NM_000444.6(PHEX):c.444del (p.Ile148fs)

Gene: PHEX (phosphate regulating endopeptidase X-linked; plus strand). Cytogenetic location: Xp22.11.
Variant type: Deletion.
Coding change: c.444del on transcript NM_000444.6 (MANE Select); coding-DNA position 444, one base deleted (T; older notation c.444delT).
Protein change: p.Ile148fs; shifts the reading frame from isoleucine 148.
Molecular consequence: frameshift variant.
Genome position (GRCh38, 1-based): chrX:22,077,483, T deleted; the last of 2 consecutive T bases (chrX:22,077,482-22,077,483); deleting either gives the same sequence. VCF-style (leftmost placement, unchanged base first): chrX-22077481-AT-A. GRCh37 (hg19) VCF-style: chrX-22095599-AT-A.
Other names: c.444del, p.Ile148fs (NM_001282754.2); short protein forms I148fs.
Identifiers: ClinVar variation 1452786 (VCV001452786.9), dbSNP rs2147020361, ClinGen allele CA2573158519.

ClinVar aggregate classification (germline): Pathogenic. Review status: criteria provided, single submitter (1 of 4 stars). 2 submissions from 2 submitters: Pathogenic (1). 1 of the submissions does not count toward it. Last evaluated 2020-12-08.

Conditions:
Childhood hypophosphatasia. Identifiers: Orphanet 247667, Orphanet 436, MedGen C0220743, MONDO:1010168, OMIM 241510, MONDO:0009428.

Submissions (2):

Labcorp Genetics (formerly Invitae), Labcorp
Classification: Pathogenic. Last evaluated: 2020-12-08. Review status: criteria provided, single submitter. Criteria: Invitae Variant Classification Sherloc (09022015). Collection method: clinical testing. Allele origin: germline.
Comment: This sequence change creates a premature translational stop signal (p.Ile148Metfs*73) in the PHEX gene. It is expected to result in an absent or disrupted protein product. Loss-of-function variants in PHEX are known to be pathogenic (PMID: 9097956, 9106524, 19219621). This variant is not present in population databases (ExAC no frequency). This variant has been observed in individual(s) with X-linked hypophosphatemia (Invitae). For these reasons, this variant has been classified as Pathogenic.

Department of Pediatric Endocrinology, Shriners Hospitals for Children - Mexico City
No classification provided. Condition: Childhood hypophosphatasia. Review status: no classification provided. Collection method: phenotyping only. Allele origin: germline. Inheritance: X-linked dominant inheritance. Affected: yes. Observed: 1 variant allele. Not counted in ClinVar's aggregate classification.

Literature cited by the submitters: PubMed 9097956 (cited by Labcorp Genetics (formerly Invitae), Labcorp); PubMed 9106524 (cited by Labcorp Genetics (formerly Invitae), Labcorp); PubMed 19219621 (cited by Labcorp Genetics (formerly Invitae), Labcorp).